The following is an entry in ClinVar:

NM_004560.4(ROR2):c.1720G>A (p.Val574Met)

Gene: ROR2 (receptor tyrosine kinase like orphan receptor 2; minus strand). Cytogenetic location: 9q22.31.
Variant type: single nucleotide variant.
Coding change: c.1720G>A on transcript NM_004560.4 (MANE Select); coding-DNA position 1720, G replaced by A.
Protein change: p.Val574Met; replaces valine 574 with methionine.
Molecular consequence: missense variant.
Genome position (GRCh38, 1-based): chr9:91,724,774, C>T on the plus strand (G>A on the coding strand, the complement: ROR2 is on the minus strand). VCF-style: chr9-91724774-C-T. GRCh37 (hg19) VCF-style: chr9-94487056-C-T.
Other names: short protein forms V574M.
Identifiers: ClinVar variation 2963993 (VCV002963993.4), dbSNP rs140579674, ClinGen allele CA5120596.
Genomic context (GRCh38, chr9:91,724,774, plus strand): 5'-GCACGAAGTCGGGGGGCTCCAGGGCGGACTTCACCGTGCGGTCATCATCGGTGCTGCCCA[C>T]GTCCGAGTGCGGCGAGCGCATGACCAGGAATTCGTGGAGGTCGCCGTGCGAACAGTAGCT-3'
Protein context (NP_004551.2, residues 564-584): FLVMRSPHSD[Val574Met]GSTDDDRTVK

ClinVar aggregate classification (germline): Uncertain significance. Review status: criteria provided, multiple submitters, no conflicts (2 of 4 stars). 2 submissions from 2 submitters: Uncertain significance (2). Last evaluated 2024-05-02.

Conditions:
Brachydactyly type B1 (BDB1). Identifiers: Orphanet 572385, Orphanet 93383, MedGen C1862112, MONDO:0007220, OMIM 113000.
Autosomal recessive Robinow syndrome (RRS1). Also called: ROR2-Related Robinow Syndrome; ROBINOW SYNDROME, AUTOSOMAL RECESSIVE 1; COSTOVERTEBRAL SEGMENTATION DEFECT WITH MESOMELIA; COVESDEM SYNDROME. Identifiers: Orphanet 1507, Orphanet 97360, MedGen C5399974, MONDO:0009999, OMIM 268310.

Submissions (2):

Fulgent Genetics
Classification: Uncertain significance for Brachydactyly type B1; Autosomal recessive Robinow syndrome. Last evaluated: 2024-05-02. Review status: criteria provided, single submitter. Criteria: ACMG Guidelines, 2015. Collection method: clinical testing. Allele origin: germline.

Labcorp Genetics (formerly Invitae), Labcorp
Classification: Uncertain significance. Last evaluated: 2023-06-11. Review status: criteria provided, single submitter. Criteria: Invitae Variant Classification Sherloc (09022015). Collection method: clinical testing. Allele origin: germline.
Comment: This sequence change replaces valine, which is neutral and non-polar, with methionine, which is neutral and non-polar, at codon 574 of the ROR2 protein (p.Val574Met). This variant is present in population databases (rs140579674, gnomAD 0.01%). In summary, the available evidence is currently insufficient to determine the role of this variant in disease. Therefore, it has been classified as a Variant of Uncertain Significance. Advanced modeling of protein sequence and biophysical properties (such as structural, functional, and spatial information, amino acid conservation, physicochemical variation, residue mobility, and thermodynamic stability) performed at Invitae indicates that this missense variant is not expected to disrupt ROR2 protein function. This variant has not been reported in the literature in individuals affected with ROR2-related conditions.